The following is an entry in ClinVar:

ClinVar aggregate classification (germline): Pathogenic (1 of 4 stars; one submission).

Conditions:
Glycogen storage disease IXb (GSD9B). Also called: GLYCOGENOSIS OF LIVER AND MUSCLE, AUTOSOMAL RECESSIVE; GSD IXb; PHOSPHORYLASE KINASE DEFICIENCY OF LIVER AND MUSCLE, AUTOSOMAL RECESSIVE. Identifiers: Orphanet 79240, MedGen C0543514, MONDO:0009868, OMIM 261750.

Submission:

Labcorp Genetics (formerly Invitae), Labcorp
Classification: Pathogenic for Glycogen storage disease IXb. Last evaluated: 2022-10-15. Review status: criteria provided, single submitter. Criteria: Invitae Variant Classification Sherloc (09022015). Collection method: clinical testing. Allele origin: germline.
Comment: This sequence change creates a premature translational stop signal (p.Glu115Glyfs*21) in the PHKB gene. It is expected to result in an absent or disrupted protein product. Loss-of-function variants in PHKB are known to be pathogenic (PMID: 9215682, 9326319). This variant is not present in population databases (gnomAD no frequency). This variant has not been reported in the literature in individuals affected with PHKB-related conditions. For these reasons, this variant has been classified as Pathogenic.

Literature cited by the submitters: PubMed 9215682; PubMed 9326319.

NM_000293.3(PHKB):c.341dup (p.Glu115fs)

Gene: PHKB (phosphorylase kinase regulatory subunit beta; plus strand). Cytogenetic location: 16q12.1.
Variant type: Duplication.
Coding change: c.341dup on transcript NM_000293.3 (MANE Select); coding-DNA position 341, one base duplicated (T; older notation c.341dupT).
Protein change: p.Glu115fs; shifts the reading frame from glutamic acid 115.
Molecular consequence: frameshift variant.
Genome position (GRCh38, 1-based): chr16:47,503,026, T duplicated. VCF-style (leftmost placement, unchanged base first): chr16-47503025-C-CT. GRCh37 (hg19) VCF-style: chr16-47536936-C-CT.
Other names: c.320dup, p.Glu108fs (NM_001031835.3); c.341dup, p.Glu115fs (NM_001363837.1); short protein forms E115fs, E108fs.
Identifiers: ClinVar variation 2035718 (VCV002035718.4), dbSNP rs2548337274, ClinGen allele CA2580091560.
Genomic context (GRCh38, chr16:47,503,025, plus strand): 5'-TTTCATGAGTTATCTCTCTCACCCAGGCGAATTGATGATGACAAGGGAAGGACCCATGAG[C>CT]TGGAGCACTCAGCTATAAAATGCATGAGAGGAATTCTCTACTGCTATATGCGTCAGGCCG-3'